The following is an entry in ClinVar:

NM_000375.3(UROS):c.416T>G (p.Leu139Arg)

Gene: UROS (uroporphyrinogen III synthase; minus strand). Cytogenetic location: 10q26.2.
Variant type: single nucleotide variant.
Coding change: c.416T>G on transcript NM_000375.3 (MANE Select); coding-DNA position 416, T replaced by G.
Protein change: p.Leu139Arg; replaces leucine 139 with arginine.
Molecular consequence: missense variant. On other transcripts: non-coding transcript variant (4), intron variant (2).
Genome position (GRCh38, 1-based): chr10:125,798,124, A>C on the plus strand (T>G on the coding strand, the complement: UROS is on the minus strand). VCF-style: chr10-125798124-A-C. GRCh37 (hg19) VCF-style: chr10-127486693-A-C.
Other names: c.416T>G, p.Leu139Arg (NM_001324036.2); c.395-1936T>G (NM_001324038.2, NM_001324037.2); short protein forms L139R.
Identifiers: ClinVar variation 1506393 (VCV001506393.8), dbSNP rs2133844935, ClinGen allele CA378687991.

ClinVar aggregate classification (germline): Uncertain significance (1 of 4 stars; one submission).

Submission:

Labcorp Genetics (formerly Invitae), Labcorp
Classification: Uncertain significance. Last evaluated: 2020-12-22. Review status: criteria provided, single submitter. Criteria: Invitae Variant Classification Sherloc (09022015). Collection method: clinical testing. Allele origin: germline.
Comment: In summary, the available evidence is currently insufficient to determine the role of this variant in disease. Therefore, it has been classified as a Variant of Uncertain Significance. Algorithms developed to predict the effect of missense changes on protein structure and function (SIFT, PolyPhen-2, Align-GVGD) all suggest that this variant is likely to be disruptive, but these predictions have not been confirmed by published functional studies and their clinical significance is uncertain. This variant has been observed in individual(s) with congenital erythropoietic porphyria (PMID: 23953398). This variant is not present in population databases (ExAC no frequency). This sequence change replaces leucine with arginine at codon 139 of the UROS protein (p.Leu139Arg). The leucine residue is highly conserved and there is a moderate physicochemical difference between leucine and arginine.

Literature cited by the submitters: PubMed 23953398.